The following is an entry in ClinVar:

ClinVar aggregate classification (germline): Pathogenic (1 of 4 stars; one submission).

Conditions:
Juvenile polyposis/hereditary hemorrhagic telangiectasia syndrome (JPHT). Also called: JP/HHT SYNDROME; JUVENILE POLYPOSIS WITH HEREDITARY HEMORRHAGIC TELANGIECTASIA; POLYPOSIS, GENERALIZED JUVENILE, WITH PULMONARY ARTERIOVENOUS MALFORMATION; TELANGIECTASIA, HEREDITARY HEMORRHAGIC, WITH JUVENILE POLYPOSIS COLI; Juvenile Polyposis Syndrome / Hereditary Hemorrhagic Telangiectasia (JPS/HHT). Identifiers: Orphanet 2929, MedGen C1832942, MONDO:0008278, OMIM 175050.

Submission:

Myriad Genetics, Inc.
Classification: Pathogenic for Juvenile polyposis/hereditary hemorrhagic telangiectasia syndrome. Last evaluated: 2025-06-02. Review status: criteria provided, single submitter. Criteria: Myriad Autosomal Dominant, Autosomal Recessive and X-Linked Classification Criteria (2023). Collection method: clinical testing. Allele origin: unknown.
Comment: This variant is considered pathogenic. This variant creates a frameshift predicted to result in premature protein truncation.

NM_005359.6(SMAD4):c.1213del (p.His405fs)

Gene: SMAD4 (SMAD family member 4; plus strand). Cytogenetic location: 18q21.2.
Variant type: Deletion.
Coding change: c.1213del on transcript NM_005359.6 (MANE Select); coding-DNA position 1213, one base deleted (C; older notation c.1213delC).
Protein change: p.His405fs; shifts the reading frame from histidine 405.
Molecular consequence: frameshift variant. On other transcripts: non-coding transcript variant (1).
Genome position (GRCh38, 1-based): chr18:51,067,092, C deleted; the last of 2 consecutive C bases (chr18:51,067,091-51,067,092); deleting either gives the same sequence. VCF-style (leftmost placement, unchanged base first): chr18-51067090-AC-A. GRCh37 (hg19) VCF-style: chr18-48593460-AC-A.
Other names: c.1213del, p.His405fs (NM_001407041.1, NM_001407042.1); short protein forms H405fs.
Identifiers: ClinVar variation 4071022 (VCV004071022.1).